The following is an entry in ClinVar:

NM_174936.4(PCSK9):c.494G>T (p.Arg165Leu)

Gene: PCSK9 (proprotein convertase subtilisin/kexin type 9; plus strand). Cytogenetic location: 1p32.3.
Variant type: single nucleotide variant.
Coding change: c.494G>T on transcript NM_174936.4 (MANE Select); coding-DNA position 494, G replaced by T.
Protein change: p.Arg165Leu; replaces arginine 165 with leucine.
Molecular consequence: missense variant.
Genome position (GRCh38, 1-based): chr1:55,046,617, G>T. VCF-style: chr1-55046617-G-T. GRCh37 (hg19) VCF-style: chr1-55512290-G-T.
Other names: short protein forms R165L.
Identifiers: ClinVar variation 918767 (VCV000918767.15), dbSNP rs372165281, ClinGen allele CA042504.
Genomic context (GRCh38, chr1:55,046,617, plus strand): 5'-AGGACTCCTCTGTCTTTGCCCAGAGCATCCCGTGGAACCTGGAGCGGATTACCCCTCCAC[G>T]GTACCGGGCGGATGAATACCAGCCCCCCGGTAAGACCCCCATCTGTGCCCTGCCCCACCC-3'
Protein context (NP_777596.2, residues 155-175): PWNLERITPP[Arg165Leu]YRADEYQPPD

ClinVar aggregate classification (germline): Uncertain significance. Review status: criteria provided, multiple submitters, no conflicts (2 of 4 stars). 7 submissions from 7 submitters: Uncertain significance (6). 1 of the submissions does not count toward it. Last evaluated 2026-03-10.

Conditions:
Cardiovascular phenotype. Identifiers: MedGen CN230736.
Hypercholesterolemia, autosomal dominant, 3 (FHCL3). Also called: PCSK9-Related Familial Hypercholesterolemia, Autosomal Dominant; Familial Hypercholesterolemia, Autosomal Dominant, 3; Familial hypercholesterolemia 3. Identifiers: MedGen C1863551, MONDO:0011369, OMIM 603776.
PCSK9-related disorder. Also called: PCSK9-related disorders; PCSK9-related condition.
Familial hypercholesterolemia. Also called: Familial hypercholesterolemias; Familial hypercholesterolaemia. Identifiers: MedGen C0020445, MONDO:0005439.

Allele frequency attached by ClinVar (database versions not stated): TOPMed 0.00002; ESP Exome Variant Server 0.00008.
gnomAD v4.1: 30 of 1,613,914 alleles (0.0019%); highest among the groups gnomAD compares: Admixed American, 0.012%; 1 homozygote.

Submissions (7):

GeneDx
Classification: Uncertain significance. Last evaluated: 2026-03-10. Review status: criteria provided, single submitter. Criteria: GeneDx Variant Classification Process June 2021. Collection method: clinical testing. Allele origin: germline.
Comment: In silico analysis suggests that this missense variant does not alter protein structure/function; Has not been previously published as pathogenic or benign to our knowledge

Ambry Genetics
Classification: Uncertain significance for Cardiovascular phenotype. Last evaluated: 2025-06-03. Review status: criteria provided, single submitter. Criteria: Ambry Variant Classification Scheme 2023. Collection method: clinical testing. Allele origin: germline.

Women's Health and Genetics/Laboratory Corporation of America, LabCorp
Classification: Uncertain significance. Last evaluated: 2025-05-31. Review status: criteria provided, single submitter. Criteria: LabCorp Variant Classification Summary - May 2015. Collection method: clinical testing. Allele origin: germline.
Comment: Variant summary: PCSK9 c.494G>T (p.Arg165Leu) results in a non-conservative amino acid change in the encoded protein sequence. Algorithms developed to predict the effect of missense changes on protein structure and function are either unavailable or do not agree on the potential impact of this missense change. The variant allele was found at a frequency of 2e-05 in 251318 control chromosomes. The available data on variant occurrences in the general population are insufficient to allow any conclusion about variant significance. To our knowledge, no occurrence of c.494G>T in individuals affected with Familial Hypercholesterolemia and no experimental evidence demonstrating its impact on protein function have been reported. ClinVar contains an entry for this variant (Variation ID: 918767). Based on the evidence outlined above, the variant was classified as uncertain significance.

Labcorp Genetics (formerly Invitae), Labcorp
Classification: Uncertain significance for Hypercholesterolemia, autosomal dominant, 3. Last evaluated: 2025-03-02. Review status: criteria provided, single submitter. Criteria: Invitae Variant Classification Sherloc (09022015). Collection method: clinical testing. Allele origin: germline.
Comment: This sequence change replaces arginine, which is basic and polar, with leucine, which is neutral and non-polar, at codon 165 of the PCSK9 protein (p.Arg165Leu). This variant is present in population databases (rs372165281, gnomAD 0.009%). This variant has not been reported in the literature in individuals affected with PCSK9-related conditions. ClinVar contains an entry for this variant (Variation ID: 918767). Invitae Evidence Modeling of protein sequence and biophysical properties (such as structural, functional, and spatial information, amino acid conservation, physicochemical variation, residue mobility, and thermodynamic stability) indicates that this missense variant is not expected to disrupt PCSK9 protein function with a negative predictive value of 80%. In summary, the available evidence is currently insufficient to determine the role of this variant in disease. Therefore, it has been classified as a Variant of Uncertain Significance.

Color Diagnostics, LLC DBA Color Health
Classification: Uncertain significance for Familial hypercholesterolemia. Last evaluated: 2024-03-06. Review status: criteria provided, single submitter. Criteria: ACMG Guidelines, 2015. Collection method: clinical testing. Allele origin: germline.
Comment: This missense variant replaces arginine with leucine at codon 165 of the PCSK9 protein. Computational prediction suggests that this variant may not impact protein structure and function (internally defined REVEL score threshold <= 0.5, PMID: 27666373). To our knowledge, functional studies have not been reported for this variant. This variant has not been reported in individuals affected with PCSK9-related disorders in the literature. This variant has been identified in 6/282674 chromosomes in the general population by the Genome Aggregation Database (gnomAD). The available evidence is insufficient to determine the role of this variant in disease conclusively. Therefore, this variant is classified as a Variant of Uncertain Significance.

All of Us Research Program, National Institutes of Health
Classification: Uncertain significance for Hypercholesterolemia, autosomal dominant, 3. Last evaluated: 2023-11-02. Review status: criteria provided, single submitter. Criteria: ACMG Guidelines, 2015. Collection method: clinical testing. Allele origin: germline. Inheritance: Autosomal dominant inheritance. Observed: 4 variant alleles, 4 heterozygotes.
Comment: This missense variant replaces arginine with leucine at codon 165 of the PCSK9 protein. Computational prediction suggests that this variant may not impact protein structure and function (internally defined REVEL score threshold <= 0.5, PMID: 27666373). To our knowledge, functional studies have not been reported for this variant. This variant has not been reported in individuals affected with familial hypercholesterolemia in the literature. This variant has been identified in 6/282674 chromosomes in the general population by the Genome Aggregation Database (gnomAD). The available evidence is insufficient to determine the role of this variant in disease conclusively. Therefore, this variant is classified as a Variant of Uncertain Significance.

This study involves interpretation of variants in research participants for the purpose of population health screening. Participant phenotype was not available at the time of variant classification. Additional details can be found in publication PMID: 35346344, PMCID: PMC8962531

PreventionGenetics, part of Exact Sciences
Classification: Uncertain significance for PCSK9-related condition. Last evaluated: 2024-01-22. Review status: no assertion criteria provided. Collection method: clinical testing. Allele origin: germline. Not counted in ClinVar's aggregate classification.
Comment: The PCSK9 c.494G>T variant is predicted to result in the amino acid substitution p.Arg165Leu. To our knowledge, this variant has not been reported in the literature. This variant is reported in 0.0085% of alleles in individuals of Latino descent in gnomAD. At this time, the clinical significance of this variant is uncertain due to the absence of conclusive functional and genetic evidence.